The following is an entry in ClinVar:

ClinVar aggregate classification (germline): Conflicting classifications of pathogenicity. Review status: criteria provided, conflicting classifications (1 of 4 stars). 3 submissions from 3 submitters: Uncertain significance (1); Benign (1); Likely benign (1). Last evaluated 2025-04-14.

Conditions:
Lowe syndrome (OCRL). Also called: LOWE OCULOCEREBRORENAL SYNDROME; PHOSPHATIDYLINOSITOL 4,5-BISPHOSPHATE 5-PHOSPHATASE DEFICIENCY; Oculocerebrorenal Syndrome. Identifiers: Orphanet 534, MedGen C0028860, MONDO:0010645, OMIM 309000.

Allele frequency attached by ClinVar (database versions not stated): gnomAD 0.00005 and 0.00006; gnomAD exomes 0.00008 and 0.00009; TOPMed 0.00008; ExAC 0.00011; 1000 Genomes Project 0.00026; 1000 Genomes Project 30x 0.00042.
gnomAD v4.1: 85 of 1,172,100 alleles (0.0073%); highest among the groups gnomAD compares: East Asian, 0.25%; no homozygotes.

Submissions (3):

Labcorp Genetics (formerly Invitae), Labcorp
Classification: Benign for Lowe syndrome. Last evaluated: 2025-04-14. Review status: criteria provided, single submitter. Criteria: Invitae Variant Classification Sherloc (09022015). Collection method: clinical testing. Allele origin: germline.

Mendelics
Classification: Uncertain significance. Last evaluated: 2022-05-04. Review status: criteria provided, single submitter. Criteria: Mendelics Assertion Criteria 2019. Collection method: clinical testing. Allele origin: germline.

Women's Health and Genetics/Laboratory Corporation of America, LabCorp
Classification: Likely benign. Last evaluated: 2021-11-17. Review status: criteria provided, single submitter. Criteria: LabCorp Variant Classification Summary - May 2015. Collection method: clinical testing. Allele origin: germline.
Comment: Variant summary: OCRL c.2245G>T (p.Ala749Ser) results in a conservative amino acid change located in the Rho GTPase-activating protein domain (IPR000198) of the encoded protein sequence. Three of five in-silico tools predict a benign effect of the variant on protein function. The variant allele was found at a frequency of 9.3e-05 in 183393 control chromosomes, predominantly at a frequency of 0.0012 within the East Asian subpopulation in the gnomAD database. The observed variant frequency within East Asian control individuals in the gnomAD database is approximately 2.8 fold of the estimated maximal expected allele frequency for a pathogenic variant in OCRL causing Dent Disease phenotype (0.00043), strongly suggesting that the variant is a benign polymorphism found primarily in populations of East Asian origin. c.2245G>T has been reported in the literature as a non-informative genotype (second allele not specified) in at cohort of individuals affected with Dent Disease type 2 (example, Park_2014). These report(s) do not provide unequivocal conclusions about association of the variant with Dent Disease. To our knowledge, no experimental evidence demonstrating an impact on protein function has been reported. No clinical diagnostic laboratories have submitted clinical-significance assessments for this variant to ClinVar after 2014. Based on the evidence outlined above, the variant was classified as likely benign.

Literature cited by the submitters: PubMed 24912603 (cited by Women's Health and Genetics/Laboratory Corporation of America, LabCorp).

NM_000276.4(OCRL):c.2245G>T (p.Ala749Ser)

Gene: OCRL (OCRL inositol polyphosphate-5-phosphatase; plus strand). Cytogenetic location: Xq26.1.
Variant type: single nucleotide variant.
Coding change: c.2245G>T on transcript NM_000276.4 (MANE Select); coding-DNA position 2245, G replaced by T.
Protein change: p.Ala749Ser; replaces alanine 749 with serine.
Molecular consequence: missense variant.
Genome position (GRCh38, 1-based): chrX:129,587,107, G>T. VCF-style: chrX-129587107-G-T. GRCh37 (hg19) VCF-style: chrX-128721084-G-T.
Other names: c.2248G>T, p.Ala750Ser (NM_001318784.2); c.2221G>T, p.Ala741Ser (NM_001587.4); short protein forms A741S, A749S, A750S.
Identifiers: ClinVar variation 1328985 (VCV001328985.7), dbSNP rs751678290, ClinGen allele CA10512331.